The following is an entry in ClinVar:

NM_000540.3(RYR1):c.2654G>A (p.Arg885His)

Gene: RYR1 (ryanodine receptor 1; plus strand). Cytogenetic location: 19q13.2.
Variant type: single nucleotide variant.
Coding change: c.2654G>A on transcript NM_000540.3 (MANE Select); coding-DNA position 2654, G replaced by A.
Protein change: p.Arg885His; replaces arginine 885 with histidine.
Molecular consequence: missense variant.
Genome position (GRCh38, 1-based): chr19:38,463,499, G>A. VCF-style: chr19-38463499-G-A. GRCh37 (hg19) VCF-style: chr19-38954139-G-A.
Other names: NM_000540.2(RYR1):c.2654G>A; p.Arg885His; NM_001042723.2(RYR1):c.2654G>A; c.2654G>A, p.Arg885His (NM_001042723.2); short protein forms R885H.
Identifiers: ClinVar variation 212100 (VCV000212100.84), dbSNP rs370634440, ClinGen allele CA063661.

ClinVar aggregate classification (germline): Uncertain significance. Review status: reviewed by expert panel (3 of 4 stars). 15 submissions from 13 submitters: Uncertain significance (1). 14 of the submissions do not count toward it. Last evaluated 2025-08-01.

Conditions:
Malignant hyperthermia, susceptibility to, 1 (MHS1). Also called: Anesthesia related hyperthermia; Malignant hyperpyrexia; Fulminating hyperpyrexia; Pharmacogenic myopathy; RYR1-Related Malignant Hyperthermia Susceptibility; Malignant hyperthermia suceptibility 1. Identifiers: Orphanet 423, MedGen C2930980, MONDO:0007783, OMIM 145600.
Congenital myopathy with fiber type disproportion. Also called: Congenital fiber-type disproportion; Congenital fiber-type disproportion myopathy. Identifiers: Orphanet 2020, MedGen C0546264, MONDO:0009711. Inheritance: all.
Congenital multicore myopathy with external ophthalmoplegia (CMYO1B). Also called: MULTIMINICORE DISEASE WITH EXTERNAL OPHTHALMOPLEGIA; Minicore myopathy with external ophthalmoplegia; Congenital myopathy 1B, autosomal recessive; Minicore myopathy; MULTICORE MYOPATHY. Identifiers: Orphanet 598, Orphanet 98905, MedGen C1850674, MONDO:0009712, OMIM 255320, HP:0003789.
King Denborough syndrome (KDS). Identifiers: MedGen C1840365, MONDO:0020485, OMIM 619542.
Central core myopathy (CMYO1A). Also called: CONGENITAL MYOPATHY 1A, AUTOSOMAL DOMINANT, WITH SUSCEPTIBILITY TO MALIGNANT HYPERTHERMIA; Central core disease; Myopathy, central fibrillar. Identifiers: Orphanet 597, MedGen C5830701, MONDO:0007294, OMIM 117000.
RYR1-related disorder. Also called: RYR1-related disorders; RYR1-related condition. Identifiers: MedGen CN239331.
Myopathy. Identifiers: MedGen C0026848, MeSH D009135, MONDO:0005336, HP:0003198.
Myopathy, RYR1-associated.

Allele frequency attached by ClinVar (database versions not stated): TOPMed 0.00012; gnomAD 0.00013 and 0.00015; ESP Exome Variant Server 0.00015; 1000 Genomes Project 30x 0.00031; 1000 Genomes Project 0.00040.
gnomAD v4.1: 302 of 1,612,934 alleles (0.019%); highest among the groups gnomAD compares: South Asian, 0.032%; no homozygotes.

Submissions (15):

ClinGen Malignant Hyperthermia Susceptibility Variant Curation Expert Panel, ClinGen
Classification: Uncertain significance for Malignant hyperthermia, susceptibility to, 1. Last evaluated: 2025-08-01. Review status: reviewed by expert panel. Criteria: ClinGen MHS ACMG Specifications V2. Collection method: curation. Allele origin: germline. Inheritance: Autosomal dominant inheritance. Study: ClinGen.
Comment: This pathogenicity assessment is relevant only for malignant hyperthermia susceptibility (MHS) inherited in an autosomal dominant pattern. Variants in RYR1 can also cause other myopathies inherited in an autosomal dominant pattern or in an autosomal recessive pattern. Some of these disorders may predispose individuals to malignant hyperthermia. RYR1 variants may also contribute to a malignant hyperthermia reaction in combination with other genetic and non-genetic factors and the clinician needs to consider such factors in making management decisions. This sequence variant predicts a substitution of arginine with histidine at codon 885 of the RYR1 protein (p.Arg885His). The maximum allele frequency for this variant among the six major gnomAD populations is SAS: 0.00042, a frequency consistent with pathogenicity for MHS. This variant has been reported in an individual with a personal or family history of an MH episode and a positive in vitro contracture test (IVCT) or caffeine halothane contracture test (CHCT) result (if the proband was unavailable for testing, a positive diagnostic test result in a mutation-positive relative was counted), however, the MAF in the SAS population in gnomAD does not allow PS4 to be utilized (PMID:30236257). No functional studies were identified for this variant.This variant does not reside in a hotspot for pathogenic variants that contribute to MHS. A REVEL score of 0.609 supports neither a pathogenic nor a benign status for this variant. This variant has been classified as a Variant of Unknown Significance. Criteria implemented: none.

Labcorp Genetics (formerly Invitae), Labcorp
Classification: Uncertain significance for RYR1-related disorder. Last evaluated: 2026-01-28. Review status: criteria provided, single submitter. Criteria: Invitae Variant Classification Sherloc (09022015). Collection method: clinical testing. Allele origin: germline. Not counted in ClinVar's aggregate classification.
Comment: This sequence change replaces arginine, which is basic and polar, with histidine, which is basic and polar, at codon 885 of the RYR1 protein (p.Arg885His). This variant is present in population databases (rs370634440, gnomAD 0.04%). This missense change has been observed in individual(s) with central core disease and/or malignant hyperthermia (PMID: 25960145, 30236257). ClinVar contains an entry for this variant (Variation ID: 212100). Invitae Evidence Modeling of protein sequence and biophysical properties (such as structural, functional, and spatial information, amino acid conservation, physicochemical variation, residue mobility, and thermodynamic stability) has been performed for this missense variant. However, the output from this modeling did not meet the statistical confidence thresholds required to predict the impact of this variant on RYR1 protein function. In summary, the available evidence is currently insufficient to determine the role of this variant in disease. Therefore, it has been classified as a Variant of Uncertain Significance.

Institute of Human Genetics, University of Leipzig Medical Center
Classification: Uncertain significance for Malignant hyperthermia, susceptibility to, 1. Last evaluated: 2025-04-09. Review status: criteria provided, single submitter. Criteria: ACMG Guidelines, 2015. Collection method: clinical testing. Allele origin: unknown. Inheritance: Autosomal dominant inheritance. Affected: yes. Not counted in ClinVar's aggregate classification.
Comment: No classification criteria applicable according to VCEP, also see Expert Panel Curation on ClinVar: SCV001816142

All of Us Research Program, National Institutes of Health
Classification: Uncertain significance for Malignant hyperthermia, susceptibility to, 1. Last evaluated: 2024-09-24. Review status: criteria provided, single submitter. Criteria: ACMG Guidelines, 2015. Collection method: clinical testing. Allele origin: germline. Inheritance: Autosomal dominant inheritance. Observed: 60 variant alleles, 60 heterozygotes. Not counted in ClinVar's aggregate classification.
Comment: This missense variant replaces arginine with histidine at codon 885 of the RYR1 protein. Computational prediction is inconclusive regarding the impact of this variant on protein structure and function (internally defined REVEL score threshold 0.5 < inconclusive < 0.7, PMID: 27666373). To our knowledge, functional studies have not been reported for this variant. This variant has been reported in an individual affected with malignant hyperthermia susceptibility (PMID: 30236257). This variant has been identified in 46/280838 chromosomes in the general population by the Genome Aggregation Database (gnomAD). The available evidence is insufficient to determine the role of this variant in disease conclusively. Therefore, this variant is classified as a Variant of Uncertain Significance.

This study involves interpretation of variants in research participants for the purpose of population health screening. Participant phenotype was not available at the time of variant classification. Additional details can be found in publication PMID: 35346344, PMCID: PMC8962531

Color Diagnostics, LLC DBA Color Health
Classification: Uncertain significance for Malignant hyperthermia, susceptibility to, 1. Last evaluated: 2024-02-15. Review status: criteria provided, single submitter. Criteria: ACMG Guidelines, 2015. Collection method: clinical testing. Allele origin: germline. Not counted in ClinVar's aggregate classification.
Comment: This missense variant replaces arginine with histidine at codon 885 of the RYR1 protein. Computational prediction is inconclusive regarding the impact of this variant on protein structure and function. To our knowledge, functional studies have not been reported for this variant. This variant has been reported in an individual affected with malignant hyperthermia susceptibility (PMID: 30236257). This variant has been identified in 46/280838 chromosomes in the general population by the Genome Aggregation Database (gnomAD). The available evidence is insufficient to determine the role of this variant in disease conclusively. Therefore, this variant is classified as a Variant of Uncertain Significance.

GeneDx
Classification: Uncertain significance. Last evaluated: 2022-07-14. Review status: criteria provided, single submitter. Criteria: GeneDx Variant Classification Process June 2021. Collection method: clinical testing. Allele origin: germline. Affected: yes. Not counted in ClinVar's aggregate classification.
Comment: In silico analysis, which includes protein predictors and evolutionary conservation, supports a deleterious effect; This variant is associated with the following publications: (PMID: 25960145, 34426522)

Fulgent Genetics
Classification: Uncertain significance for Central core myopathy; Malignant hyperthermia, susceptibility to, 1; Congenital myopathy 4A, autosomal dominant; Congenital multicore myopathy with external ophthalmoplegia; King Denborough syndrome. Last evaluated: 2021-10-21. Review status: criteria provided, single submitter. Criteria: ACMG Guidelines, 2015. Collection method: clinical testing. Allele origin: unknown. Not counted in ClinVar's aggregate classification.

Revvity Omics, Revvity
Classification: Uncertain significance. Last evaluated: 2021-03-29. Review status: criteria provided, single submitter. Criteria: ACMG Guidelines, 2015. Collection method: clinical testing. Allele origin: germline. Not counted in ClinVar's aggregate classification.

CeGaT Center for Human Genetics Tuebingen
Classification: Uncertain significance. Last evaluated: 2019-06-01. Review status: criteria provided, single submitter. Criteria: CeGaT Center For Human Genetics Tuebingen Variant Classification Criteria Version 2. Collection method: clinical testing. Allele origin: germline. Affected: yes. Observed: 1 variant allele. Not counted in ClinVar's aggregate classification.

Genomic Research Center, Shahid Beheshti University of Medical Sciences
Classification: Uncertain significance for Congenital multicore myopathy with external ophthalmoplegia. Last evaluated: 2018-03-05. Review status: criteria provided, single submitter. Criteria: ACMG Guidelines, 2015. Collection method: clinical testing. Allele origin: inherited. Affected: yes. Observed: 1 variant allele. Not counted in ClinVar's aggregate classification.

Genomic Research Center, Shahid Beheshti University of Medical Sciences
Classification: Uncertain significance for Congenital myopathy with fiber type disproportion. Last evaluated: 2018-03-05. Review status: criteria provided, single submitter. Criteria: ACMG Guidelines, 2015. Collection method: clinical testing. Allele origin: inherited. Affected: yes. Observed: 1 variant allele. Not counted in ClinVar's aggregate classification.

Genomic Research Center, Shahid Beheshti University of Medical Sciences
Classification: Uncertain significance. Last evaluated: 2018-03-05. Review status: criteria provided, single submitter. Criteria: ACMG Guidelines, 2015. Collection method: clinical testing. Allele origin: inherited. Affected: yes. Observed: 1 variant allele. Not counted in ClinVar's aggregate classification.

Illumina Laboratory Services, Illumina
Classification: Uncertain significance for Malignant hyperthermia, susceptibility to, 1. Last evaluated: 2018-01-13. Review status: criteria provided, single submitter. Criteria: ICSL Variant Classification Criteria 13 December 2019. Collection method: clinical testing. Allele origin: germline. Not counted in ClinVar's aggregate classification.

Genetic Services Laboratory, University of Chicago
Classification: Likely pathogenic for Myopathy. Last evaluated: 2015-06-18. Review status: criteria provided, single submitter. Criteria: ACMG Guidelines, 2015. Collection method: clinical testing. Allele origin: germline. Affected: yes. Not counted in ClinVar's aggregate classification.

Arcensus
Classification: Uncertain significance for Malignant hyperthermia, susceptibility to, 1. Last evaluated: 2013-02-01. Review status: criteria provided, single submitter. Criteria: ACMG Guidelines, 2015. Collection method: clinical testing. Allele origin: germline. Affected: yes. Not counted in ClinVar's aggregate classification.

Literature cited by the submitters: PubMed 25960145 (cited by Labcorp Genetics (formerly Invitae), Labcorp); PubMed 30236257 (cited by 3 submitters).